The following is an entry in ClinVar:

NM_001127258.3(HHIPL1):c.874G>A (p.Glu292Lys)

Gene: HHIPL1 (HHIP like 1; plus strand). Cytogenetic location: 14q32.2.
Variant type: single nucleotide variant.
Coding change: c.874G>A on transcript NM_001127258.3 (MANE Select); coding-DNA position 874, G replaced by A.
Protein change: p.Glu292Lys; replaces glutamic acid 292 with lysine.
Molecular consequence: missense variant.
Genome position (GRCh38, 1-based): chr14:99,652,842, G>A. VCF-style: chr14-99652842-G-A. GRCh37 (hg19) VCF-style: chr14-100119179-G-A.
Other names: c.679G>A, p.Glu227Lys (NM_001329411.2); c.874G>A, p.Glu292Lys (NM_032425.5); short protein forms E227K, E292K.
Identifiers: ClinVar variation 4872552 (VCV004872552.2).

ClinVar aggregate classification (germline): Uncertain significance (1 of 4 stars; one submission).

gnomAD v4.1: 52 of 1,613,864 alleles (0.0032%); highest among the groups gnomAD compares: African/African-American, 0.027%; no homozygotes.

Submission:

CeGaT Center for Human Genetics Tuebingen
Classification: Uncertain significance. Last evaluated: 2026-04-01. Review status: criteria provided, single submitter. Criteria: CeGaT Center For Human Genetics Tuebingen Variant Classification Criteria Version 2. Collection method: clinical testing. Allele origin: germline. Affected: yes. Observed: 1 variant allele.
Comment: HHIPL1: PM2:Supporting, BP4